The following is an entry in ClinVar:

NM_000552.5(VWF):c.5101A>G (p.Ser1701Gly)

Gene: VWF (von Willebrand factor; minus strand). Cytogenetic location: 12p13.31.
Variant type: single nucleotide variant.
Coding change: c.5101A>G on transcript NM_000552.5 (MANE Select); coding-DNA position 5101, A replaced by G.
Protein change: p.Ser1701Gly; replaces serine 1701 with glycine.
Molecular consequence: missense variant.
Genome position (GRCh38, 1-based): chr12:6,016,823, T>C on the plus strand (A>G on the coding strand, the complement: VWF is on the minus strand). VCF-style: chr12-6016823-T-C. GRCh37 (hg19) VCF-style: chr12-6125989-T-C.
Other names: p.Ser1701Gly; c.5101A>G (NM_000552.4); short protein forms S1701G.
Identifiers: ClinVar variation 2464147 (VCV002464147.3), dbSNP rs770714844, ClinGen allele CA6402392.

ClinVar aggregate classification (germline): Conflicting classifications of pathogenicity. Review status: criteria provided, conflicting classifications (1 of 4 stars). 2 submissions from 2 submitters: Uncertain significance (1); Likely benign (1). Last evaluated 2024-10-10.

Conditions:
Inborn genetic diseases. Identifiers: MedGen C0950123, MeSH D030342.

Allele frequency attached by ClinVar (database versions not stated): ExAC 0.00002; gnomAD exomes 0.00001; gnomAD 0.00001; TOPMed 0.00001.
gnomAD v4.1: 22 of 1,613,972 alleles (0.0014%); highest among the groups gnomAD compares: Admixed American, 0.005%; no homozygotes.

Submissions (2):

Mayo Clinic Laboratories, Mayo Clinic
Classification: Uncertain significance. Last evaluated: 2024-10-10. Review status: criteria provided, single submitter. Criteria: ACMG Guidelines, 2015. Collection method: clinical testing. Allele origin: germline. Observed: 1 variant allele.
Comment: PM2_supporting

Ambry Genetics
Classification: Likely benign for Inborn genetic diseases. Last evaluated: 2023-01-25. Review status: criteria provided, single submitter. Criteria: Ambry Variant Classification Scheme 2023. Collection method: clinical testing. Allele origin: germline.